The following is an entry in ClinVar:

NM_005881.4(BCKDK):c.845+10C>T

Gene: BCKDK (branched chain keto acid dehydrogenase kinase; plus strand). Cytogenetic location: 16p11.2.
Variant type: single nucleotide variant.
Coding change: c.845+10C>T on transcript NM_005881.4 (MANE Select); 10 bases into the intron after coding-DNA position 845, C replaced by T.
Molecular consequence: intron variant.
Genome position (GRCh38, 1-based): chr16:31,111,229, C>T. VCF-style: chr16-31111229-C-T. GRCh37 (hg19) VCF-style: chr16-31122550-C-T.
Other names: p.?; c.845+10C>T (NM_001122957.4, NM_001271926.3).
Identifiers: ClinVar variation 128522 (VCV000128522.17), dbSNP rs74015068, ClinGen allele CA152030.
Genomic context (GRCh38, chr16:31,111,229, plus strand): 5'-CCCTATGCCACTGGACTACATCCTGCCGGAGCTGCTCAAGAATGCCATGAGGTGGGGTGG[C>T]TTGATGTGCTGGCTTGGGGGCGGACAGGAACCGGGGTGCTTGTACCTACTGGTCTTTCCC-3'

ClinVar aggregate classification (germline): Benign. Review status: criteria provided, multiple submitters, no conflicts (2 of 4 stars). 5 submissions from 5 submitters: Benign (4). 1 of the submissions does not count toward it. Last evaluated 2026-01-06.

Conditions:
Branched-chain keto acid dehydrogenase kinase deficiency (BCKDKD). Also called: BCKDK DEFICIENCY. Identifiers: Orphanet 308410, MedGen C3554078, MONDO:0013970, OMIM 614923.

Allele frequency attached by ClinVar (database versions not stated): gnomAD exomes 0.00080 and 0.00202; ExAC 0.00259; 1000 Genomes Project 0.00759; 1000 Genomes Project 30x 0.00796; gnomAD 0.00898 and 0.00955; TOPMed 0.01065; ESP Exome Variant Server 0.01070.
gnomAD v4.1: 2,561 of 1,614,134 alleles (0.16%); highest among the groups gnomAD compares: African/African-American, 3.1%; 32 homozygotes.

Submissions (5):

Labcorp Genetics (formerly Invitae), Labcorp
Classification: Benign for Branched-chain keto acid dehydrogenase kinase deficiency. Last evaluated: 2026-01-06. Review status: criteria provided, single submitter. Criteria: Invitae Variant Classification Sherloc (09022015). Collection method: clinical testing. Allele origin: germline.

Mayo Clinic Laboratories, Mayo Clinic
Classification: Benign. Last evaluated: 2020-07-14. Review status: criteria provided, single submitter. Criteria: ACMG Guidelines, 2015. Collection method: clinical testing. Allele origin: germline. Observed: 4 variant alleles.

Athena Diagnostics
Classification: Benign. Last evaluated: 2017-08-31. Review status: criteria provided, single submitter. Criteria: Athena Diagnostics Criteria. Collection method: clinical testing. Allele origin: germline.

PreventionGenetics, part of Exact Sciences
Classification: Benign. Review status: criteria provided, single submitter. Criteria: ACMG Guidelines, 2015. Collection method: clinical testing. Allele origin: germline.

Genetic Services Laboratory, University of Chicago
Classification: Likely benign for AllHighlyPenetrant. Review status: no assertion criteria provided. Collection method: clinical testing. Allele origin: germline. Inheritance: Autosomal recessive inheritance. Not counted in ClinVar's aggregate classification.
Comment: Likely benign based on allele frequency in 1000 Genomes Project or ESP global frequency and its presence in a patient with a rare or unrelated disease phenotype. NOT Sanger confirmed.